The following is an entry in ClinVar:

ClinVar aggregate classification (germline): Uncertain significance. Review status: criteria provided, multiple submitters, no conflicts (2 of 4 stars). 2 submissions from 2 submitters: Uncertain significance (2). Last evaluated 2025-09-11.

Conditions:
Inborn genetic diseases. Identifiers: MedGen C0950123, MeSH D030342.

Allele frequency attached by ClinVar (database versions not stated): gnomAD exomes below 0.00001; ExAC 0.00001; gnomAD 0.00001 and 0.00003; TOPMed 0.00003.
gnomAD v4.1: 4 of 1,613,684 alleles (0.00025%); highest among the groups gnomAD compares: African/African-American, 0.004%; no homozygotes.

Submissions (2):

Ambry Genetics
Classification: Uncertain significance for Inborn genetic diseases. Last evaluated: 2025-09-11. Review status: criteria provided, single submitter. Criteria: Ambry Variant Classification Scheme 2023. Collection method: clinical testing. Allele origin: germline.

Labcorp Genetics (formerly Invitae), Labcorp
Classification: Uncertain significance. Last evaluated: 2022-02-02. Review status: criteria provided, single submitter. Criteria: Invitae Variant Classification Sherloc (09022015). Collection method: clinical testing. Allele origin: germline.
Comment: This sequence change replaces valine, which is neutral and non-polar, with leucine, which is neutral and non-polar, at codon 461 of the LRP2 protein (p.Val461Leu). This variant is present in population databases (rs751817256, gnomAD 0.008%). This variant has not been reported in the literature in individuals affected with LRP2-related conditions. Advanced modeling of protein sequence and biophysical properties (such as structural, functional, and spatial information, amino acid conservation, physicochemical variation, residue mobility, and thermodynamic stability) performed at Invitae indicates that this missense variant is not expected to disrupt LRP2 protein function. In summary, the available evidence is currently insufficient to determine the role of this variant in disease. Therefore, it has been classified as a Variant of Uncertain Significance.

NM_004525.3(LRP2):c.1381G>C (p.Val461Leu)

Gene: LRP2 (LDL receptor related protein 2; minus strand). Cytogenetic location: 2q31.1.
Variant type: single nucleotide variant.
Coding change: c.1381G>C on transcript NM_004525.3 (MANE Select); coding-DNA position 1381, G replaced by C.
Protein change: p.Val461Leu; replaces valine 461 with leucine.
Molecular consequence: missense variant.
Genome position (GRCh38, 1-based): chr2:169,279,556, C>G on the plus strand (G>C on the coding strand, the complement: LRP2 is on the minus strand). VCF-style: chr2-169279556-C-G. GRCh37 (hg19) VCF-style: chr2-170136066-C-G.
Other names: c.1381G>C (NM_004525.2); short protein forms V461L.
Identifiers: ClinVar variation 1350900 (VCV001350900.7), dbSNP rs751817256, ClinGen allele CA1955571.